The following is an entry in ClinVar:

NM_052989.3(IFT122):c.920T>C (p.Phe307Ser)

Gene: IFT122 (intraflagellar transport 122; plus strand). Cytogenetic location: 3q21.3.
Variant type: single nucleotide variant.
Coding change: c.920T>C on transcript NM_052989.3 (MANE Select); coding-DNA position 920, T replaced by C.
Protein change: p.Phe307Ser; replaces phenylalanine 307 with serine.
Molecular consequence: missense variant.
Genome position (GRCh38, 1-based): chr3:129,476,418, T>C. VCF-style: chr3-129476418-T-C. GRCh37 (hg19) VCF-style: chr3-129195261-T-C.
Other names: c.896T>C, p.Phe299Ser (NM_001280541.2); c.470T>C, p.Phe157Ser (NM_001280545.2); c.293T>C, p.Phe98Ser (NM_001280546.2); c.920T>C, p.Phe307Ser (NM_001410808.1, NM_001410809.1); c.743T>C, p.Phe248Ser (NM_001410810.1, NM_001410811.1, NM_001410813.1 and 1 more transcripts); c.587T>C, p.Phe196Ser (NM_001410815.1, NM_001410817.1, NM_052990.3); c.1073T>C, p.Phe358Ser (NM_052985.4); short protein forms F157S, F196S, F248S, F299S, F307S, F358S, F98S.
Identifiers: ClinVar variation 3255001 (VCV003255001.2), dbSNP rs1474360991.
Genomic context (GRCh38, chr3:129,476,418, plus strand): 5'-GCTACTTTACTAAAGGCGAGTACATTTTGCTGGGGGGTTCAGACAAGCAAGTATCTCTTT[T>C]CACCAAGGATGGAGTGCGGCTTGGGACTGTTGGGGAGCAGAACTCCTGGGTGTGGACGTG-3'
Protein context (NP_443715.1, residues 297-317): LGGSDKQVSL[Phe307Ser]TKDGVRLGTV

ClinVar aggregate classification (germline): Uncertain significance (1 of 4 stars; one submission).

Conditions:
Cranioectodermal dysplasia 1 (CED1). Also called: LEVIN SYNDROME I. Identifiers: Orphanet 1515, MedGen C0432235, MONDO:0021093, OMIM 218330.

Allele frequency attached by ClinVar (database versions not stated): gnomAD 0.00001; gnomAD exomes 0.00001.
gnomAD v4.1: 11 of 1,614,030 alleles (0.00068%); highest among the groups gnomAD compares: Non-Finnish European, 0.00093%; no homozygotes.

Submission:

Victorian Clinical Genetics Services, Murdoch Childrens Research Institute
Classification: Uncertain significance for Cranioectodermal dysplasia 1. Last evaluated: 2024-09-20. Review status: criteria provided, single submitter. Criteria: ACMG Guidelines, 2015. Collection method: clinical testing. Allele origin: germline. Inheritance: Autosomal recessive inheritance. Affected: yes.
Comment: Based on the classification scheme VCGS_Germline_v1.3.4, this variant is classified as VUS-3A. Following criteria are met: 0102 - Loss of function is a known mechanism of disease in this gene and is associated with cranioectodermal dysplasia 1 (MIM#218330). (I) 0106 - This gene is associated with autosomal recessive disease. (I) 0200 - Variant is predicted to result in a missense amino acid change from phenylalanine to serine. (I) 0251 - This variant is heterozygous. (I) 0304 - Variant is present in gnomAD <0.01 for a recessive condition (v2: 1 heterozygote, 0 homozygotes). (SP) 0502 - Missense variant with conflicting in silico predictions and moderate conservation. (I) 0600 - Variant is located in the annotated WD40 super family domain (NCBI). (I) 0705 - No comparable missense variants have previous evidence for pathogenicity. (I) 0807 - This variant has no previous evidence of pathogenicity. (I) 0905 - No published segregation evidence has been identified for this variant. (I) 1007 - No published functional evidence has been identified for this variant. (I) 1102 - Strong phenotype match for this individual. (SP) 1208 - Inheritance information for this variant is not currently available in this individual. (I) Legend: (SP) - Supporting pathogenic, (I) - Information, (SB) - Supporting benign